The following is an entry in ClinVar:

ClinVar aggregate classification (germline): Conflicting classifications of pathogenicity. Review status: criteria provided, conflicting classifications (1 of 4 stars). 2 submissions from 2 submitters: Likely pathogenic (1); Uncertain significance (1). Last evaluated 2026-08-06.

Conditions:
Polycystic kidney disease, adult type (PKD1). Also called: Polycystic Kidney Disease 1, Autosomal Dominant; Polycystic kidney disease 1; Polycystic kidney disease 1, severe; Polycystic Kidney, Autosomal Dominant; POLYCYSTIC KIDNEY DISEASE 1 WITH OR WITHOUT POLYCYSTIC LIVER DISEASE; POLYCYSTIC KIDNEY DISEASE, ADULT, TYPE I. Identifiers: MedGen C3149841, MONDO:0008263, OMIM 173900.

Submissions (2):

OLLIN Analises Genomicas, OLLIN
Classification: Uncertain significance for Polycystic kidney disease, adult type. Last evaluated: 2026-08-06. Review status: criteria provided, single submitter. Criteria: ACMG Guidelines 2015 PMID 25741868. Collection method: clinical testing. Allele origin: germline. Inheritance: Autosomal dominant inheritance.
Comment: This missense variant, located in exon 15 (of 46), is absent from gnomAD and has not been identified in the literature. However, it has been reported in ClinVar (accession VCV003579374.1). In silico analysis predicts that this variant has a deleterious effect. According to the currently available evidence, this variant has been classified as uncertain significance (PM2_P, PP3).

Fulgent Genetics
Classification: Likely pathogenic for Polycystic kidney disease, adult type. Last evaluated: 2024-04-09. Review status: criteria provided, single submitter. Criteria: ACMG Guidelines, 2015. Collection method: clinical testing. Allele origin: germline.

NM_001009944.3(PKD1):c.6292G>A (p.Asp2098Asn)

Gene: PKD1 (polycystin 1, transient receptor potential channel interacting; minus strand). Cytogenetic location: 16p13.3.
Variant type: single nucleotide variant.
Coding change: c.6292G>A on transcript NM_001009944.3 (MANE Select); coding-DNA position 6292, G replaced by A.
Protein change: p.Asp2098Asn; replaces aspartic acid 2098 with asparagine.
Molecular consequence: missense variant.
Genome position (GRCh38, 1-based): chr16:2,108,875, C>T on the plus strand (G>A on the coding strand, the complement: PKD1 is on the minus strand). VCF-style: chr16-2108875-C-T. GRCh37 (hg19) VCF-style: chr16-2158876-C-T.
Other names: c.6292G>A, p.Asp2098Asn (NM_000296.4); short protein forms D2098N.
Identifiers: ClinVar variation 3579374 (VCV003579374.2).
Genomic context (GRCh38, chr16:2,108,875, plus strand): 5'-CAGGCCTCAGGTAGGAGTGCTCGGCCCTGGGCTCATCTGTGTCCTGCCCTGGCGACCCAT[C>T]CCCAAAGTCCCAGTGGTAGGCCACACGCCGGGGGCTGGGGCTGGTGGCGGCCTCAAACTG-3'
Protein context (NP_001009944.3, residues 2088-2108): RRVAYHWDFG[Asp2098Asn]GSPGQDTDEP